The following is an entry in ClinVar:

NM_005228.5(EGFR):c.2419G>A (p.Asp807Asn)

Genes: EGFR-AS1 (EGFR antisense RNA 1; minus strand), EGFR (epidermal growth factor receptor; plus strand). Cytogenetic location: 7p11.2.
Variant type: single nucleotide variant.
Coding change: c.2419G>A on transcript NM_005228.5 (MANE Select); coding-DNA position 2419, G replaced by A.
Protein change: p.Asp807Asn; replaces aspartic acid 807 with asparagine.
Molecular consequence: missense variant. On other transcripts: non-coding transcript variant (1).
Genome position (GRCh38, 1-based): chr7:55,181,428, G>A. VCF-style: chr7-55181428-G-A. GRCh37 (hg19) VCF-style: chr7-55249121-G-A.
Other names: c.2284G>A, p.Asp762Asn (NM_001346897.2, NM_001346899.2); c.2419G>A, p.Asp807Asn (NM_001346898.2); c.2260G>A, p.Asp754Asn (NM_001346900.2); c.1618G>A, p.Asp540Asn (NM_001346941.2); c.2419G>A (NM_005228.3); short protein forms D540N, D807N, D762N, D754N.
Identifiers: ClinVar variation 1465823 (VCV001465823.9), dbSNP rs1786870739, ClinGen allele CA367578959.

ClinVar aggregate classification (germline): Uncertain significance. Review status: criteria provided, multiple submitters, no conflicts (2 of 4 stars). 2 submissions from 2 submitters: Uncertain significance (2). Last evaluated 2025-01-03.

Conditions:
Hereditary cancer-predisposing syndrome. Also called: Tumor predisposition; Hereditary neoplastic syndrome; Hereditary Cancer Syndrome; Neoplastic Syndromes, Hereditary. Identifiers: Orphanet 140162, MedGen C0027672, MeSH D009386, MONDO:0015356.
EGFR-related lung cancer (EGFR). Identifiers: MedGen CN130014.

Allele frequency attached by ClinVar (database versions not stated): gnomAD exomes below 0.00001.
gnomAD v4.1: 2 of 1,614,246 alleles (0.00012%); highest among the groups gnomAD compares: Non-Finnish European, 0.00017%; no homozygotes.

Submissions (2):

Ambry Genetics
Classification: Uncertain significance for Hereditary cancer-predisposing syndrome. Last evaluated: 2025-01-03. Review status: criteria provided, single submitter. Criteria: Ambry Variant Classification Scheme 2023. Collection method: clinical testing. Allele origin: germline.
Comment: The p.D807N variant (also known as c.2419G>A), located in coding exon 20 of the EGFR gene, results from a G to A substitution at nucleotide position 2419. The aspartic acid at codon 807 is replaced by asparagine, an amino acid with highly similar properties. This amino acid position is well conserved in available vertebrate species. In addition, the in silico prediction for this alteration is inconclusive. Based on the available evidence, the clinical significance of this variant remains unclear.

Labcorp Genetics (formerly Invitae), Labcorp
Classification: Uncertain significance for EGFR-related lung cancer. Last evaluated: 2021-04-21. Review status: criteria provided, single submitter. Criteria: Invitae Variant Classification Sherloc (09022015). Collection method: clinical testing. Allele origin: germline.
Comment: In summary, the available evidence is currently insufficient to determine the role of this variant in disease. Therefore, it has been classified as a Variant of Uncertain Significance. Algorithms developed to predict the effect of missense changes on protein structure and function are either unavailable or do not agree on the potential impact of this missense change (SIFT: "Deleterious"; PolyPhen-2: "Probably Damaging"; Align-GVGD: "Class C0"). This variant has not been reported in the literature in individuals with EGFR-related conditions. This variant is not present in population databases (ExAC no frequency). This sequence change replaces aspartic acid with asparagine at codon 807 of the EGFR protein (p.Asp807Asn). The aspartic acid residue is highly conserved and there is a small physicochemical difference between aspartic acid and asparagine.